The following is an entry in ClinVar:

ClinVar aggregate classification (germline): Uncertain significance (1 of 4 stars; one submission).

gnomAD v4.1: 36 of 1,611,716 alleles (0.0022%); highest among the groups gnomAD compares: Middle Eastern, 0.017%; no homozygotes.

Submission:

Labcorp Genetics (formerly Invitae), Labcorp
Classification: Uncertain significance. Last evaluated: 2024-05-06. Review status: criteria provided, single submitter. Criteria: Invitae Variant Classification Sherloc (09022015). Collection method: clinical testing. Allele origin: germline.
Comment: This sequence change replaces arginine, which is basic and polar, with histidine, which is basic and polar, at codon 842 of the MYH7B protein (p.Arg842His). This variant is present in population databases (rs775928980, gnomAD 0.003%). This variant has not been reported in the literature in individuals affected with MYH7B-related conditions. Advanced modeling of protein sequence and biophysical properties (such as structural, functional, and spatial information, amino acid conservation, physicochemical variation, residue mobility, and thermodynamic stability) has been performed at Invitae for this missense variant, however the output from this modeling did not meet the statistical confidence thresholds required to predict the impact of this variant on MYH7B protein function. In summary, the available evidence is currently insufficient to determine the role of this variant in disease. Therefore, it has been classified as a Variant of Uncertain Significance.

NM_020884.7(MYH7B):c.2399G>A (p.Arg800His)

Gene: MYH7B (myosin heavy chain 7B; plus strand). Cytogenetic location: 20q11.22.
Variant type: single nucleotide variant.
Coding change: c.2399G>A on transcript NM_020884.7 (MANE Select); coding-DNA position 2399, G replaced by A.
Protein change: p.Arg800His; replaces arginine 800 with histidine.
Molecular consequence: missense variant.
Genome position (GRCh38, 1-based): chr20:34,993,425, G>A. VCF-style: chr20-34993425-G-A. GRCh37 (hg19) VCF-style: chr20-33581228-G-A.
Other names: short protein forms R800H.
Identifiers: ClinVar variation 3611505 (VCV003611505.2).
Genomic context (GRCh38, chr20:34,993,425, plus strand): 5'-TGGAAGAGCTCCGTGACCAGCGCCTGGCCAAGGTGCTGACGCTGCTGCAGGCGCGGAGCC[G>A]TGGCCGCCTCATGCGCCTTGAGTACCAGCGCCTGCTGGGAGGCAGGTGGGTGTGGGAAGG-3'
Protein context (NP_065935.4, residues 790-810): KVLTLLQARS[Arg800His]GRLMRLEYQR